The following is an entry in ClinVar:

NM_001080449.3(DNA2):c.1266G>A (p.Met422Ile)

Gene: DNA2 (DNA replication helicase/nuclease 2; minus strand). Cytogenetic location: 10q21.3.
Variant type: single nucleotide variant.
Coding change: c.1266G>A on transcript NM_001080449.3 (MANE Select); coding-DNA position 1266, G replaced by A.
Protein change: p.Met422Ile; replaces methionine 422 with isoleucine.
Molecular consequence: missense variant. On other transcripts: non-coding transcript variant (1).
Genome position (GRCh38, 1-based): chr10:68,443,066, C>T on the plus strand (G>A on the coding strand, the complement: DNA2 is on the minus strand). VCF-style: chr10-68443066-C-T. GRCh37 (hg19) VCF-style: chr10-70202823-C-T.
Other names: short protein forms M422I.
Identifiers: ClinVar variation 2762511 (VCV002762511.3), dbSNP rs2493954744, ClinGen allele CA376862124.

ClinVar aggregate classification (germline): Uncertain significance (1 of 4 stars; one submission).

Submission:

Labcorp Genetics (formerly Invitae), Labcorp
Classification: Uncertain significance. Last evaluated: 2024-01-01. Review status: criteria provided, single submitter. Criteria: Invitae Variant Classification Sherloc (09022015). Collection method: clinical testing. Allele origin: germline.
Comment: This sequence change replaces methionine, which is neutral and non-polar, with isoleucine, which is neutral and non-polar, at codon 422 of the DNA2 protein (p.Met422Ile). This variant is not present in population databases (gnomAD no frequency). This variant has not been reported in the literature in individuals affected with DNA2-related conditions. Advanced modeling of protein sequence and biophysical properties (such as structural, functional, and spatial information, amino acid conservation, physicochemical variation, residue mobility, and thermodynamic stability) performed at Invitae indicates that this missense variant is not expected to disrupt DNA2 protein function with a negative predictive value of 80%. In summary, the available evidence is currently insufficient to determine the role of this variant in disease. Therefore, it has been classified as a Variant of Uncertain Significance.